The following is an entry in ClinVar:

ClinVar aggregate classification (germline): Benign/Likely benign. Review status: criteria provided, multiple submitters, no conflicts (2 of 4 stars). 3 submissions from 3 submitters: Benign (1); Likely benign (2). Last evaluated 2025-05-12.

Conditions:
Hereditary cancer-predisposing syndrome. Also called: Neoplastic Syndromes, Hereditary; Tumor predisposition; Hereditary Cancer Syndrome; Hereditary neoplastic syndrome. Identifiers: Orphanet 140162, MedGen C0027672, MeSH D009386, MONDO:0015356.
Tuberous sclerosis 2 (TSC2). Identifiers: Orphanet 805, MedGen C1860707, MONDO:0013199, OMIM 613254.

Allele frequency attached by ClinVar (database versions not stated): TOPMed below 0.00001.

Submissions (3):

Myriad Genetics, Inc.
Classification: Benign for Tuberous sclerosis 2. Last evaluated: 2025-05-12. Review status: criteria provided, single submitter. Criteria: Myriad Autosomal Dominant, Autosomal Recessive and X-Linked Classification Criteria (2023). Collection method: clinical testing. Allele origin: unknown.
Comment: This variant is considered benign. This variant is a silent/synonymous amino acid change and it is not expected to impact splicing.

Ambry Genetics
Classification: Likely benign for Hereditary cancer-predisposing syndrome. Last evaluated: 2024-06-15. Review status: criteria provided, single submitter. Criteria: Ambry Variant Classification Scheme 2023. Collection method: clinical testing. Allele origin: germline.

Labcorp Genetics (formerly Invitae), Labcorp
Classification: Likely benign for Tuberous sclerosis 2. Last evaluated: 2023-01-24. Review status: criteria provided, single submitter. Criteria: Invitae Variant Classification Sherloc (09022015). Collection method: clinical testing. Allele origin: germline.

NM_000548.5(TSC2):c.909C>T (p.Leu303=)

Gene: TSC2 (TSC complex subunit 2; plus strand). Cytogenetic location: 16p13.3.
Variant type: single nucleotide variant.
Coding change: c.909C>T on transcript NM_000548.5 (MANE Select); coding-DNA position 909, C replaced by T.
Protein change: p.Leu303=; no amino-acid change (leucine 303 retained).
Molecular consequence: synonymous variant.
Genome position (GRCh38, 1-based): chr16:2,058,807, C>T. VCF-style: chr16-2058807-C-T. GRCh37 (hg19) VCF-style: chr16-2108808-C-T.
Other names: c.909C>T (NM_000548.3); c.909C>T, p.Leu303= (NM_001077183.3, NM_001114382.3, NM_001363528.2 and 3 more transcripts); c.798C>T, p.Leu266= (NM_001318827.2); c.762C>T, p.Leu254= (NM_001318829.2); c.309C>T, p.Leu103= (NM_001318831.2); c.942C>T, p.Leu314= (NM_001318832.2).
Identifiers: ClinVar variation 1129353 (VCV001129353.11), dbSNP rs1433197017, ClinGen allele CA492959691.